The following is an entry in ClinVar:

NM_004958.4(MTOR):c.2738C>G (p.Ser913Cys)

Gene: MTOR (mechanistic target of rapamycin kinase; minus strand). Cytogenetic location: 1p36.22.
Variant type: single nucleotide variant.
Coding change: c.2738C>G on transcript NM_004958.4 (MANE Select); coding-DNA position 2738, C replaced by G.
Protein change: p.Ser913Cys; replaces serine 913 with cysteine.
Molecular consequence: missense variant.
Genome position (GRCh38, 1-based): chr1:11,230,966, G>C on the plus strand (C>G on the coding strand, the complement: MTOR is on the minus strand). VCF-style: chr1-11230966-G-C. GRCh37 (hg19) VCF-style: chr1-11291023-G-C.
Other names: c.2738C>G, p.Ser913Cys (NM_001386500.1); c.1490C>G, p.Ser497Cys (NM_001386501.1); short protein forms S913C, S497C.
Identifiers: ClinVar variation 2840645 (VCV002840645.3), dbSNP rs2523257374, ClinGen allele CA338380801.

ClinVar aggregate classification (germline): Uncertain significance (1 of 4 stars; one submission).

Submission:

Labcorp Genetics (formerly Invitae), Labcorp
Classification: Uncertain significance. Last evaluated: 2023-02-24. Review status: criteria provided, single submitter. Criteria: Invitae Variant Classification Sherloc (09022015). Collection method: clinical testing. Allele origin: germline.
Comment: This sequence change replaces serine, which is neutral and polar, with cysteine, which is neutral and slightly polar, at codon 913 of the MTOR protein (p.Ser913Cys). This variant is not present in population databases (gnomAD no frequency). This variant has not been reported in the literature in individuals affected with MTOR-related conditions. Advanced modeling of protein sequence and biophysical properties (such as structural, functional, and spatial information, amino acid conservation, physicochemical variation, residue mobility, and thermodynamic stability) performed at Invitae indicates that this missense variant is not expected to disrupt MTOR protein function. In summary, the available evidence is currently insufficient to determine the role of this variant in disease. Therefore, it has been classified as a Variant of Uncertain Significance.